The following is an entry in ClinVar:

NM_000179.3(MSH6):c.3912G>A (p.Arg1304=)

Gene: MSH6 (mutS homolog 6; plus strand). Cytogenetic location: 2p16.3.
Variant type: single nucleotide variant.
Coding change: c.3912G>A on transcript NM_000179.3 (MANE Select); coding-DNA position 3912, G replaced by A.
Protein change: p.Arg1304=; no amino-acid change (arginine 1304 retained).
Molecular consequence: synonymous variant.
Genome position (GRCh38, 1-based): chr2:47,806,562, G>A. VCF-style: chr2-47806562-G-A. GRCh37 (hg19) VCF-style: chr2-48033701-G-A.
Other names: c.3522G>A, p.Arg1174= (NM_001281492.2); c.3006G>A, p.Arg1002= (NM_001281493.2, NM_001281494.2).
Identifiers: ClinVar variation 483871 (VCV000483871.17), dbSNP rs786202333, ClinGen allele CA426122153.
Genomic context (GRCh38, chr2:47,806,562, plus strand): 5'-GTTCCTCTATAAATTCATTAAGGGAGCTTGTCCTAAAAGCTATGGCTTTAATGCAGCAAG[G>A]CTTGCTAATCTCCCAGAGGAAGTTATTCAAAAGGGACATAGAAAAGCAAGAGAATTTGAG-3'
Protein context (NP_000170.1, residues 1294-1314): CPKSYGFNAA[Arg1304=]LANLPEEVIQ

ClinVar aggregate classification (germline): Benign/Likely benign. Review status: criteria provided, multiple submitters, no conflicts (2 of 4 stars). 5 submissions from 5 submitters: Benign (1); Likely benign (4). Last evaluated 2025-11-05.

Conditions:
Hereditary nonpolyposis colorectal neoplasms. Identifiers: MedGen C0009405, MeSH D003123.
Hereditary cancer-predisposing syndrome. Also called: Neoplastic Syndromes, Hereditary; Tumor predisposition; Hereditary Cancer Syndrome; Hereditary neoplastic syndrome. Identifiers: Orphanet 140162, MedGen C0027672, MeSH D009386, MONDO:0015356.
Lynch syndrome 5 (LYNCH5). Also called: Colorectal cancer, hereditary nonpolyposis, type 5; Hereditary non-polyposis colorectal cancer, type 5. Identifiers: Orphanet 144, MedGen C1833477, MONDO:0013710, OMIM 614350. Disease mechanism: loss of function.

Allele frequency attached by ClinVar (database versions not stated): gnomAD exomes below 0.00001; TOPMed below 0.00001.
gnomAD v4.1: 2 of 1,613,734 alleles (0.00012%); highest among the groups gnomAD compares: African/African-American, 0.0027%; no homozygotes.

Submissions (5):

Labcorp Genetics (formerly Invitae), Labcorp
Classification: Likely benign for Hereditary nonpolyposis colorectal neoplasms. Last evaluated: 2025-11-05. Review status: criteria provided, single submitter. Criteria: Invitae Variant Classification Sherloc (09022015). Collection method: clinical testing. Allele origin: germline.

Myriad Genetics, Inc.
Classification: Benign for Lynch syndrome 5. Last evaluated: 2025-01-08. Review status: criteria provided, single submitter. Criteria: Myriad Autosomal Dominant, Autosomal Recessive and X-Linked Classification Criteria (2023). Collection method: clinical testing. Allele origin: unknown.
Comment: This variant is considered benign. This variant is a silent/synonymous amino acid change and it is not expected to impact splicing.

Women's Health and Genetics/Laboratory Corporation of America, LabCorp
Classification: Likely benign. Last evaluated: 2023-09-27. Review status: criteria provided, single submitter. Criteria: LabCorp Variant Classification Summary - May 2015. Collection method: clinical testing. Allele origin: germline.

Sema4
Classification: Likely benign for Hereditary cancer-predisposing syndrome. Last evaluated: 2021-01-29. Review status: criteria provided, single submitter. Criteria: Sema4 Curation Guidelines. Collection method: curation. Allele origin: germline.

Ambry Genetics
Classification: Likely benign for Hereditary cancer-predisposing syndrome. Last evaluated: 2017-06-28. Review status: criteria provided, single submitter. Criteria: Ambry Variant Classification Scheme 2023. Collection method: clinical testing. Allele origin: germline.